The following is an entry in ClinVar:

NM_133171.5(ELMO2):c.756+6del

Gene: ELMO2 (engulfment and cell motility 2; minus strand). Cytogenetic location: 20q13.12.
Variant type: Deletion.
Coding change: c.756+6del on transcript NM_133171.5 (MANE Select); 6 bases into the intron after coding-DNA position 756, one base deleted (T; older notation c.756+6delT).
Molecular consequence: intron variant.
Genome position (GRCh38, 1-based): chr20:46,383,410, A deleted on the plus strand (T on the coding strand, the reverse complement: ELMO2 is on the minus strand). VCF-style (leftmost placement, unchanged base first): chr20-46383409-CA-C. GRCh37 (hg19) VCF-style: chr20-45012048-CA-C.
Other names: c.756+6del (NM_182764.3); c.492+6del (NM_001318253.2).
Identifiers: ClinVar variation 4978113 (VCV004978113.1).

ClinVar aggregate classification (germline): Likely benign (1 of 4 stars; one submission).

Conditions:
ELMO2-related disorder. Also called: ELMO2-related condition.

Submission:

PreventionGenetics, part of Exact Sciences
Classification: Likely benign for ELMO2-related condition. Last evaluated: 2026-07-01. Review status: criteria provided, single submitter. Criteria: ACMG Guidelines, 2015. Collection method: clinical testing. Allele origin: germline.
Comment: This variant is classified as likely benign based on ACMG/AMP sequence variant interpretation guidelines (Richards et al. 2015 PMID: 25741868, with internal and published modifications).